The following is an entry in ClinVar:

NC_000009.12:g.35657985G>A

Gene: RMRP (RNA component of mitochondrial RNA processing endoribonuclease; minus strand). Cytogenetic location: 9p13.3.
Variant type: single nucleotide variant.
Genome position: GRCh38 VCF-style: chr9-35657985-G-A. GRCh37 (hg19) VCF-style: chr9-35657982-G-A.
Identifiers: ClinVar variation 2188529 (VCV002188529.2), dbSNP rs758862328, ClinGen allele CA5045862.
Genomic context (GRCh38, chr9:35,657,985, plus strand): 5'-CTCTGCCCGAGGTCCGGGGACTTTCCCCTAGGCGGAAAGGGGAGGAACAGAGTCCTCAGT[G>A]TGTAGCCTAGGATACAGGCCTTCAGCACGAACCACGTCCTCAGCTTCACAGAGTAGTATT-3'

ClinVar aggregate classification (germline): Uncertain significance (1 of 4 stars; one submission).

Conditions:
Anauxetic dysplasia. Identifiers: Orphanet 93347, MedGen C1846796, MONDO:0011773.

Allele frequency attached by ClinVar (database versions not stated): TOPMed below 0.00001; gnomAD 0.00001; ExAC 0.00009.
gnomAD v4.1: 15 of 700,292 alleles (0.0021%); highest among the groups gnomAD compares: South Asian, 0.013%; no homozygotes.

Submission:

Labcorp Genetics (formerly Invitae), Labcorp
Classification: Uncertain significance for Anauxetic dysplasia. Last evaluated: 2025-11-12. Review status: criteria provided, single submitter. Criteria: Invitae Variant Classification Sherloc (09022015). Collection method: clinical testing. Allele origin: germline.
Comment: This variant occurs in the RMRP gene, which encodes an RNA molecule that does not result in a protein product. This variant is present in population databases (rs758862328, gnomAD 0.01%). This variant has not been reported in the literature in individuals affected with RMRP-related conditions. ClinVar contains an entry for this variant (Variation ID: 2188529). Experimental studies and prediction algorithms are not available or were not evaluated, and the functional significance of this variant is currently unknown. In summary, the available evidence is currently insufficient to determine the role of this variant in disease. Therefore, it has been classified as a Variant of Uncertain Significance.